The following is an entry in ClinVar:

NM_000428.3(LTBP2):c.4969T>C (p.Tyr1657His)

Gene: LTBP2 (latent transforming growth factor beta binding protein 2; minus strand). Cytogenetic location: 14q24.3.
Variant type: single nucleotide variant.
Coding change: c.4969T>C on transcript NM_000428.3 (MANE Select); coding-DNA position 4969, T replaced by C.
Protein change: p.Tyr1657His; replaces tyrosine 1657 with histidine.
Molecular consequence: missense variant.
Genome position (GRCh38, 1-based): chr14:74,502,854, A>G on the plus strand (T>C on the coding strand, the complement: LTBP2 is on the minus strand). VCF-style: chr14-74502854-A-G. GRCh37 (hg19) VCF-style: chr14-74969557-A-G.
Other names: short protein forms Y1657H.
Identifiers: ClinVar variation 2097518 (VCV002097518.4), dbSNP rs2506129105, ClinGen allele CA390383688.

ClinVar aggregate classification (germline): Uncertain significance (1 of 4 stars; one submission).

Submission:

Labcorp Genetics (formerly Invitae), Labcorp
Classification: Uncertain significance. Last evaluated: 2022-02-13. Review status: criteria provided, single submitter. Criteria: Invitae Variant Classification Sherloc (09022015). Collection method: clinical testing. Allele origin: germline.
Comment: This variant is not present in population databases (gnomAD no frequency). This sequence change replaces tyrosine, which is neutral and polar, with histidine, which is basic and polar, at codon 1657 of the LTBP2 protein (p.Tyr1657His). This variant has not been reported in the literature in individuals affected with LTBP2-related conditions. Algorithms developed to predict the effect of missense changes on protein structure and function (SIFT, PolyPhen-2, Align-GVGD) all suggest that this variant is likely to be disruptive. In summary, the available evidence is currently insufficient to determine the role of this variant in disease. Therefore, it has been classified as a Variant of Uncertain Significance.